The following is an entry in ClinVar:

ClinVar aggregate classification (germline): Uncertain significance. Review status: criteria provided, multiple submitters, no conflicts (2 of 4 stars). 3 submissions from 3 submitters: Uncertain significance (3). Last evaluated 2024-04-24.

Allele frequency attached by ClinVar (database versions not stated): TOPMed below 0.00001; gnomAD 0.00001.
gnomAD v4.1: 2 of 1,613,544 alleles (0.00012%); highest among the groups gnomAD compares: Admixed American, 0.0017%; no homozygotes.

Submissions (3):

Labcorp Genetics (formerly Invitae), Labcorp
Classification: Uncertain significance. Last evaluated: 2024-04-24. Review status: criteria provided, single submitter. Criteria: Invitae Variant Classification Sherloc (09022015). Collection method: clinical testing. Allele origin: germline.
Comment: This sequence change replaces alanine, which is neutral and non-polar, with threonine, which is neutral and polar, at codon 349 of the SLC1A2 protein (p.Ala349Thr). This variant is not present in population databases (gnomAD no frequency). This variant has not been reported in the literature in individuals affected with SLC1A2-related conditions. ClinVar contains an entry for this variant (Variation ID: 1310200). Advanced modeling of protein sequence and biophysical properties (such as structural, functional, and spatial information, amino acid conservation, physicochemical variation, residue mobility, and thermodynamic stability) performed at Invitae indicates that this missense variant is not expected to disrupt SLC1A2 protein function with a negative predictive value of 80%. In summary, the available evidence is currently insufficient to determine the role of this variant in disease. Therefore, it has been classified as a Variant of Uncertain Significance.

CeGaT Center for Human Genetics Tuebingen
Classification: Uncertain significance. Last evaluated: 2023-04-01. Review status: criteria provided, single submitter. Criteria: CeGaT Center For Human Genetics Tuebingen Variant Classification Criteria Version 2. Collection method: clinical testing. Allele origin: germline. Affected: yes. Observed: 1 variant allele.

GeneDx
Classification: Uncertain significance. Last evaluated: 2019-11-23. Review status: criteria provided, single submitter. Criteria: GeneDx Variant Classification Process June 2021. Collection method: clinical testing. Allele origin: germline. Affected: yes.
Comment: Not observed in large population cohorts (Lek et al., 2016); In silico analysis, which includes protein predictors and evolutionary conservation, supports that this variant does not alter protein structure/function; Has not been previously published as pathogenic or benign to our knowledge

NM_004171.4(SLC1A2):c.1045G>A (p.Ala349Thr)

Gene: SLC1A2 (solute carrier family 1 member 2; minus strand). Cytogenetic location: 11p13.
Variant type: single nucleotide variant.
Coding change: c.1045G>A on transcript NM_004171.4 (MANE Select); coding-DNA position 1045, G replaced by A.
Protein change: p.Ala349Thr; replaces alanine 349 with threonine.
Molecular consequence: missense variant.
Genome position (GRCh38, 1-based): chr11:35,292,333, C>T on the plus strand (G>A on the coding strand, the complement: SLC1A2 is on the minus strand). VCF-style: chr11-35292333-C-T. GRCh37 (hg19) VCF-style: chr11-35313880-C-T.
Other names: c.1018G>A, p.Ala340Thr (NM_001195728.3, NM_001252652.2); short protein forms A340T, A349T.
Identifiers: ClinVar variation 1310200 (VCV001310200.28), dbSNP rs752426667, ClinGen allele CA380124602.